The following is an entry in ClinVar:

NM_000142.5(FGFR3):c.2006G>A (p.Arg669Gln)

Gene: FGFR3 (fibroblast growth factor receptor 3; plus strand). Cytogenetic location: 4p16.3.
Variant type: single nucleotide variant.
Coding change: c.2006G>A on transcript NM_000142.5 (MANE Select); coding-DNA position 2006, G replaced by A.
Protein change: p.Arg669Gln; replaces arginine 669 with glutamine.
Molecular consequence: missense variant. On other transcripts: non-coding transcript variant (1), intron variant (1).
Genome position (GRCh38, 1-based): chr4:1,806,303, G>A. VCF-style: chr4-1806303-G-A. GRCh37 (hg19) VCF-style: chr4-1808030-G-A.
Other names: c.2012G>A, p.Arg671Gln (NM_001163213.2); c.2009G>A, p.Arg670Gln (NM_001354809.2); c.1670G>A, p.Arg557Gln (NM_022965.4); c.1962+130G>A (NM_001354810.2); short protein forms R557Q, R669Q, R670Q, R671Q.
Identifiers: ClinVar variation 4857800 (VCV004857800.1).

ClinVar aggregate classification (germline): Uncertain significance (1 of 4 stars; one submission).

Conditions:
FGFR3-related chondrodysplasia. Identifiers: Orphanet 93420, MedGen C5681604, MONDO:0019685.

gnomAD v4.1: 8 of 1,517,650 alleles (0.00053%); highest among the groups gnomAD compares: Admixed American, 0.0018%; no homozygotes.

Submission:

Genomenon, Inc
Classification: Uncertain significance for FGFR3-related chondrodysplasia. Last evaluated: 2026-06-23. Review status: criteria provided, single submitter. Criteria: Genomenon Sequence Variant Interpretation Standards - Updated. Collection method: curation. Allele origin: germline. Affected: no.
Comment: FGFR3 p.Arg669Gln (c.2006G>A) is a missense variant that changes the amino acid at codon 669 from Arginine to Glutamine. To our knowledge, this variant has not been reported in patients affected with an FGFR3-related disorder in the published literature. At least one functional study has demonstrated a substantial alteration in protein function relative to the wild-type (PMID:26992226). It is absent or not present at a significant frequency in gnomAD. In conclusion, we classify FGFR3 p.Arg669Gln (c.2006G>A) as a variant of uncertain significance.

Literature cited by the submitters: PubMed 26992226.